The following is an entry in ClinVar:

NM_032638.5(GATA2):c.706A>G (p.Met236Val)

Gene: GATA2 (GATA binding protein 2; minus strand). Cytogenetic location: 3q21.3.
Variant type: single nucleotide variant.
Coding change: c.706A>G on transcript NM_032638.5 (MANE Select); coding-DNA position 706, A replaced by G.
Protein change: p.Met236Val; replaces methionine 236 with valine.
Molecular consequence: missense variant.
Genome position (GRCh38, 1-based): chr3:128,485,892, T>C on the plus strand (A>G on the coding strand, the complement: GATA2 is on the minus strand). VCF-style: chr3-128485892-T-C. GRCh37 (hg19) VCF-style: chr3-128204735-T-C.
Other names: c.706A>G, p.Met236Val (NM_001145661.2, NM_001145662.1); short protein forms M236V.
Identifiers: ClinVar variation 539720 (VCV000539720.41), dbSNP rs746737860, ClinGen allele CA2599973.

ClinVar aggregate classification (germline): Conflicting classifications of pathogenicity. Review status: criteria provided, conflicting classifications (1 of 4 stars). 7 submissions from 7 submitters: Uncertain significance (6); Likely benign (1). Last evaluated 2025-01-25.

Conditions:
Inborn genetic diseases. Identifiers: MedGen C0950123, MeSH D030342.
Acute myeloid leukemia (AML). Also called: Acute myeloid leukemia, adult; AML adult; Acute non-lymphocytic leukemia; Acute granulocytic leukemia; Leukemia, acute myelogenous, somatic; Leukemia, acute myeloid, somatic. Identifiers: Orphanet 519, MedGen C0023467, MeSH D015470, MONDO:0018874, OMIM 601626, HP:0004808. Disease mechanism: Constitutively activated FLT3.
Monocytopenia with susceptibility to infections. Also called: Dendritic cell, monocyte, B lymphocyte, and natural killer lymphocyte deficiency; MONOCYTOPENIA AND MYCOBACTERIAL INFECTION SYNDROME; MONOCYTOPENIA WITH SUSCEPTIBILITY TO MYCOBACTERIAL, FUNGAL, AND PAPILLOMAVIRUS INFECTIONS AND MYELODYSPLASIA; COMBINED IMMUNODEFICIENCY WITH SUSCEPTIBILITY TO MYCOBACTERIAL, VIRAL, AND FUNGAL INFECTIONS; GATA2 DEFICIENCY; IMMUNODEFICIENCY 21. Identifiers: Orphanet 228423, MedGen C3280030, MONDO:0013607, OMIM 614172.
Deafness-lymphedema-leukemia syndrome. Also called: Lymphedema, primary, with myelodysplasia; Emberger syndrome. Identifiers: Orphanet 3226, MedGen C3279664, MONDO:0013540, OMIM 614038.

Allele frequency attached by ClinVar (database versions not stated): TOPMed 0.00001.
gnomAD v4.1: 31 of 1,613,934 alleles (0.0019%); highest among the groups gnomAD compares: African/African-American, 0.004%; no homozygotes.

Submissions (7):

Ambry Genetics
Classification: Uncertain significance for Inborn genetic diseases. Last evaluated: 2025-01-25. Review status: criteria provided, single submitter. Criteria: Ambry Variant Classification Scheme 2023. Collection method: clinical testing. Allele origin: germline.
Comment: The p.M236V variant (also known as c.706A>G), located in coding exon 2 of the GATA2 gene, results from an A to G substitution at nucleotide position 706. The methionine at codon 236 is replaced by valine, an amino acid with highly similar properties. This alteration was identified in an individual diagnosed with leukemia (Weinberg OK et al. Am J Clin Pathol, 2019 Aug;152:258-276). This amino acid position is highly conserved in available vertebrate species. In addition, this alteration is predicted to be deleterious by in silico analysis. Based on the available evidence, the clinical significance of this variant remains unclear.

Labcorp Genetics (formerly Invitae), Labcorp
Classification: Likely benign for Monocytopenia with susceptibility to infections; Deafness-lymphedema-leukemia syndrome. Last evaluated: 2024-03-07. Review status: criteria provided, single submitter. Criteria: Invitae Variant Classification Sherloc (09022015). Collection method: clinical testing. Allele origin: germline.

Baylor Genetics
Classification: Uncertain significance for Acute myeloid leukemia. Last evaluated: 2024-02-10. Review status: criteria provided, single submitter. Criteria: ACMG Guidelines, 2015. Collection method: clinical testing. Allele origin: unknown.

CeGaT Center for Human Genetics Tuebingen
Classification: Uncertain significance. Last evaluated: 2024-01-01. Review status: criteria provided, single submitter. Criteria: CeGaT Center For Human Genetics Tuebingen Variant Classification Criteria Version 2. Collection method: clinical testing. Allele origin: germline. Affected: yes. Observed: 1 variant allele.

GeneDx
Classification: Uncertain significance. Last evaluated: 2023-10-10. Review status: criteria provided, single submitter. Criteria: GeneDx Variant Classification Process June 2021. Collection method: clinical testing. Allele origin: germline. Affected: yes.
Comment: Observed in large population cohorts (gnomAD; internal data); In silico analysis supports that this missense variant does not alter protein structure/function; Observed in an individual with pancytopenia, lymphadenopathy, and splenomegaly (PMID: 31309983); This variant is associated with the following publications: (PMID: 31309983)

Genetic Services Laboratory, University of Chicago
Classification: Uncertain significance. Last evaluated: 2019-12-17. Review status: criteria provided, single submitter. Criteria: ACMG Guidelines, 2015. Collection method: clinical testing. Allele origin: germline. Affected: no.
Comment: This sequence change does not appear to have been previously described in patients with GATA2-related disorders and has been described in the gnomAD database with a low population frequency of 0.0080% in African subpopulation (dbSNP rs746737860). The p.Met236Val change affects a moderately conserved amino acid residue located in a domain of the GATA2 protein that is known to be functional. In-silico pathogenicity prediction tools (SIFT, PolyPhen2, Align GVGD, REVEL) provide contradictory results for the p.Met236Val substitution. Due to these evidences and the lack of functional studies, the clinical significance of the p.Met236Val change remains unknown at this time.

Johns Hopkins Genomics, Johns Hopkins University
Classification: Uncertain significance for Monocytopenia with susceptibility to infections. Last evaluated: 2019-07-17. Review status: criteria provided, single submitter. Criteria: ACMG Guidelines, 2015. Collection method: clinical testing. Allele origin: germline.
Comment: This GATA2 variant (rs746737860) is rare (<0.1%) in large population datasets (gnomAD: 6/82258 total alleles; 0.002126%; no homozygotes). This variant is not described in the literature to our knowledge, and a single submitter in ClinVar classifies the sigificance of this variant as uncertain. Two bioinformatic tools queriedpredict that this substitution would be tolerated, however the methionine residue at this position is evolutionarily conserved across all species assessed. Bioinformatic analysis predicts that this missense variant would not affect normal exon 3 splicing, although this has not been confirmed experimentally to our knowledge. The clinical significance of c.706A>G is uncertain at this time.

Literature cited by the submitters: PubMed 31309983 (cited by Ambry Genetics).